The following is an entry in ClinVar:

NM_000069.3(CACNA1S):c.2171A>G (p.Glu724Gly)

Gene: CACNA1S (calcium voltage-gated channel subunit alpha1 S; minus strand). Cytogenetic location: 1q32.1.
Variant type: single nucleotide variant.
Coding change: c.2171A>G on transcript NM_000069.3 (MANE Select); coding-DNA position 2171, A replaced by G.
Protein change: p.Glu724Gly; replaces glutamic acid 724 with glycine.
Molecular consequence: missense variant.
Genome position (GRCh38, 1-based): chr1:201,072,811, T>C on the plus strand (A>G on the coding strand, the complement: CACNA1S is on the minus strand). VCF-style: chr1-201072811-T-C. GRCh37 (hg19) VCF-style: chr1-201041939-T-C.
Other names: short protein forms E724G.
Identifiers: ClinVar variation 3070237 (VCV003070237.2), dbSNP rs2464547131, ClinGen allele CA344112585.

ClinVar aggregate classification (germline): Uncertain significance. Review status: criteria provided, multiple submitters, no conflicts (2 of 4 stars). 2 submissions from 2 submitters: Uncertain significance (2). Last evaluated 2025-08-11.

Conditions:
Malignant hyperthermia, susceptibility to, 5 (MHS5). Also called: CACNA1S-Related Malignant Hyperthermia Susceptibility. Identifiers: Orphanet 423, MedGen C1866077, MONDO:0011163, OMIM 601887.

Submissions (2):

Color Diagnostics, LLC DBA Color Health
Classification: Uncertain significance for Malignant hyperthermia, susceptibility to, 5. Last evaluated: 2025-08-11. Review status: criteria provided, single submitter. Criteria: ACMG Guidelines, 2015. Collection method: clinical testing. Allele origin: germline.
Comment: This missense variant replaces glutamic acid with glycine at codon 724 of the CACNA1S protein. Computational prediction is inconclusive regarding the impact of this variant on protein structure and function. To our knowledge, functional studies have not been reported for this variant. This variant has not been reported in individuals affected with CACNA1S-related disorders in the literature. This variant has not been identified in the general population by the Genome Aggregation Database (gnomAD). The available evidence is insufficient to determine the role of this variant in disease conclusively. Therefore, this variant is classified as a Variant of Uncertain Significance.

All of Us Research Program, National Institutes of Health
Classification: Uncertain significance for Malignant hyperthermia, susceptibility to, 5. Last evaluated: 2023-04-03. Review status: criteria provided, single submitter. Criteria: ACMG Guidelines, 2015. Collection method: clinical testing. Allele origin: germline. Inheritance: Autosomal dominant inheritance. Observed: 1 variant allele, 1 heterozygote.
Comment: This missense variant replaces glutamic acid with glycine at codon 724 of the CACNA1S protein. Computational prediction is inconclusive regarding the impact of this variant on protein structure and function (internally defined REVEL score threshold 0.5 < inconclusive < 0.7, PMID: 27666373). To our knowledge, functional studies have not been reported for this variant. This variant has not been reported in individuals affected with CACNA1S-related disorders in the literature. This variant has not been identified in the general population by the Genome Aggregation Database (gnomAD). The available evidence is insufficient to determine the role of this variant in disease conclusively. Therefore, this variant is classified as a Variant of Uncertain Significance.

This study involves interpretation of variants in research participants for the purpose of population health screening. Participant phenotype was not available at the time of variant classification. Additional details can be found in publication PMID: 35346344, PMCID: PMC8962531